The following is an entry in ClinVar:

NM_007294.4(BRCA1):c.4194_4267del (p.Asp1398fs)

Gene: BRCA1 (BRCA1 DNA repair associated; minus strand). Cytogenetic location: 17q21.31.
Variant type: Deletion.
Coding change: c.4194_4267del on transcript NM_007294.4 (MANE Select); coding-DNA positions 4194 to 4267, 74 bases deleted.
Protein change: p.Asp1398fs; shifts the reading frame from aspartic acid 1398.
Molecular consequence: frameshift variant. On other transcripts: non-coding transcript variant (1).
Genome position (GRCh38, 1-based): chr17:43,082,494-43,082,567, 74 bases deleted. GRCh37 (hg19): chr17:41,234,515-41,234,588.
Other names: c.3977_4050del74, p.Asp1327Glufs (NM_001407571.1, NM_001407853.1, NM_001407894.1 and 12 more transcripts); c.4190_4263del74, p.Asp1398Glufs (NM_001407581.1, NM_001407582.1, NM_001407583.1 and 23 more transcripts); c.4187_4260del74, p.Asp1397Glufs (NM_001407587.1, NM_001407590.1, NM_001407591.1 and 21 more transcripts); c.4184_4257del74, p.Asp1396Glufs (NM_001407627.1, NM_001407628.1, NM_001407629.1 and 5 more transcripts); c.4178_4251del74, p.Asp1394Glufs (NM_001407646.1, NM_001407647.1); c.4067_4140del74, p.Asp1357Glufs (NM_001407648.1, NM_001407664.1, NM_001407665.1 and 13 more transcripts); c.4064_4137del74, p.Asp1356Glufs (NM_001407649.1, NM_001407670.1, NM_001407671.1 and 12 more transcripts); c.4112_4185del74, p.Asp1372Glufs (NM_001407653.1, NM_001407654.1, NM_001407655.1 and 2 more transcripts); and 54 more; short protein forms D1351fs, D1398fs, D295fs.
Identifiers: ClinVar variation 644050 (VCV000644050.8), dbSNP rs1597848148, ClinGen allele CA915950057.

ClinVar aggregate classification (germline): Pathogenic (1 of 4 stars; one submission).

Conditions:
Hereditary breast ovarian cancer syndrome. Also called: Hereditary breast and ovarian cancer; Hereditary breast and ovarian cancer syndrome; Hereditary breast and ovarian cancer syndrome (HBOC); Hereditary breast and/or ovarian cancer syndrome; Breast and ovarian cancer; BRCA1- and BRCA2-Associated Hereditary Breast and Ovarian Cancer. Identifiers: Orphanet 145, MedGen C0677776, MeSH D061325, MONDO:0003582. Disease mechanism: loss of function.

Submission:

Labcorp Genetics (formerly Invitae), Labcorp
Classification: Pathogenic for Hereditary breast ovarian cancer syndrome. Last evaluated: 2018-12-19. Review status: criteria provided, single submitter. Criteria: Invitae Variant Classification Sherloc (09022015). Collection method: clinical testing. Allele origin: germline.
Comment: This sequence change creates a premature translational stop signal (p.Asp1398Glufs*5) in the BRCA1 gene. It is expected to result in an absent or disrupted protein product. This variant is not present in population databases (ExAC no frequency). This variant has not been reported in the literature in individuals with BRCA1-related conditions. Loss-of-function variants in BRCA1 are known to be pathogenic (PMID: 20104584). For these reasons, this variant has been classified as Pathogenic.

Literature cited by the submitters: PubMed 20104584.